The following is an entry in ClinVar:

NM_017739.4(POMGNT1):c.1928del (p.Phe643fs)

Genes: TSPAN1 (tetraspanin 1; plus strand), POMGNT1 (protein O-linked mannose N-acetylglucosaminyltransferase 1 (beta 1,2-); minus strand). Cytogenetic location: 1p34.1.
Variant type: Deletion.
Coding change: c.1928del on transcript NM_017739.4 (MANE Select); coding-DNA position 1928, one base deleted (T; older notation c.1928delT).
Protein change: p.Phe643fs; shifts the reading frame from phenylalanine 643.
Molecular consequence: frameshift variant. On other transcripts: intron variant (1).
Genome position (GRCh38, 1-based): chr1:46,189,325, A deleted on the plus strand (T on the coding strand, the reverse complement: POMGNT1 is on the minus strand); the first of 4 consecutive A bases (chr1:46,189,325-46,189,328); deleting any one gives the same sequence. VCF-style (leftmost placement, unchanged base first): chr1-46189324-GA-G. GRCh37 (hg19) VCF-style: chr1-46654996-GA-G.
Other names: c.1928delT (NM_017739.3); c.1902del, p.Pro635fs (NM_001243766.2); c.1859delT, p.Phe621Serfs (NM_001290129.3); c.1499del, p.Phe500fs (NM_001290130.2); c.1895+133del (NM_001410783.1); short protein forms F500fs, F643fs, F621fs, P635fs.
Identifiers: ClinVar variation 56596 (VCV000056596.2), dbSNP rs386834026, ClinGen allele CA263967.

ClinVar aggregate classification (germline): Likely pathogenic (0 of 4 stars; one submission).

Conditions:
Muscle eye brain disease (MEB). Also called: Santavuori congenital muscular dystrophy. Identifiers: Orphanet 588, Orphanet 899, MedGen C0457133, MONDO:0018939.

Submission:

Juha Muilu Group; Institute for Molecular Medicine Finland (FIMM)
Classification: Likely pathogenic for Muscle eye brain disease. Review status: no assertion criteria provided. Collection method: not provided. Allele origin: unknown.
Comment: FinDis database variant: This variant was not found or characterized by our laboratory, data were collected from public sources: see reference
ClinVar note: Converted during submission from probable-pathogenic to Likely pathogenic.